The following is an entry in ClinVar:

ClinVar aggregate classification (germline): Conflicting classifications of pathogenicity. Review status: criteria provided, conflicting classifications (1 of 4 stars). 2 submissions from 2 submitters: Likely pathogenic (1); Uncertain significance (1). Last evaluated 2023-06-08.

Conditions:
Fabry disease. Also called: GLA DEFICIENCY; HEREDITARY DYSTOPIC LIPIDOSIS; Fabry's disease; Angiokeratoma corporis diffusum; ALPHA-GALACTOSIDASE A DEFICIENCY; ANDERSON-FABRY DISEASE. Identifiers: Orphanet 324, MedGen C0002986, MONDO:0010526, OMIM 301500, HP:0001071. Disease mechanism: loss of function, Fabry disease is due to inactivating mutations in the X-linked GLA gene resulting in deficiency of the enzyme Alpha Galactosidase-A..

Submissions (2):

All of Us Research Program, National Institutes of Health
Classification: Uncertain significance for Fabry disease. Last evaluated: 2023-06-08. Review status: criteria provided, single submitter. Criteria: ACMG Guidelines, 2015. Collection method: clinical testing. Allele origin: germline. Inheritance: X-linked inheritance. Observed: 1 variant allele, 1 heterozygote.
Comment: This missense variant replaces alanine with threonine at codon 350 of the GLA protein. Computational prediction suggests that this variant may have a deleterious impact on protein structure and function (internally defined REVEL score threshold >= 0.7, PMID: 27666373). To our knowledge, functional studies have not been reported for this variant. This variant has not been reported in individuals affected with GLA-related disorders in the literature. This variant has not been identified in the general population by the Genome Aggregation Database (gnomAD). The available evidence is insufficient to determine the role of this variant in disease conclusively. Therefore, this variant is classified as a Variant of Uncertain Significance.

This study involves interpretation of variants in research participants for the purpose of population health screening. Participant phenotype was not available at the time of variant classification. Additional details can be found in publication PMID: 35346344, PMCID: PMC8962531

CeGaT Center for Human Genetics Tuebingen
Classification: Likely pathogenic. Last evaluated: 2018-02-28. Review status: criteria provided, single submitter. Criteria: Praxis fuer Humangenetik Tuebingen - Variant Classification Criteria. Collection method: clinical testing. Allele origin: germline. Affected: yes. Observed: 1 variant allele.

NM_000169.3(GLA):c.1048G>A (p.Ala350Thr)

Genes: GLA (galactosidase alpha; minus strand), RPL36A-HNRNPH2 (RPL36A-HNRNPH2 readthrough; plus strand). Cytogenetic location: Xq22.1.
Variant type: single nucleotide variant.
Coding change: c.1048G>A on transcript NM_000169.3 (MANE Select); coding-DNA position 1048, G replaced by A.
Protein change: p.Ala350Thr; replaces alanine 350 with threonine.
Molecular consequence: missense variant. On other transcripts: non-coding transcript variant (3), intron variant (2).
Genome position (GRCh38, 1-based): chrX:101,398,051, C>T on the plus strand (G>A on the coding strand, the complement: GLA is on the minus strand). VCF-style: chrX-101398051-C-T. GRCh37 (hg19) VCF-style: chrX-100653039-C-T.
Other names: c.1171G>A, p.Ala391Thr (NM_001406747.1); c.300+2594C>T (NM_001199973.2); c.177+6229C>T (NM_001199974.2); short protein forms A350T, A391T.
Identifiers: ClinVar variation 547092 (VCV000547092.4), dbSNP rs1555984843, ClinGen allele CA413921070.
Genomic context (GRCh38, chrX:101,398,051, plus strand): 5'-CAACTGCGATGGTATAAGAGCGAGGTCCACCAATCTCCTGCCGGTTTATCATAGCTACAG[C>T]CCAGGCTAAGCCTGAGAGAGGTCGTTCCCACACTTCAAAGTTGTCTCCCTGAAAAACCAA-3'
Protein context (NP_000160.1, residues 340-360): WERPLSGLAW[Ala350Thr]VAMINRQEIG